The following is an entry in ClinVar:

ClinVar aggregate classification (germline): Uncertain significance. Review status: criteria provided, multiple submitters, no conflicts (2 of 4 stars). 2 submissions from 2 submitters: Uncertain significance (2). Last evaluated 2025-08-02.

Conditions:
Autosomal dominant Parkinson disease 8. Also called: LRRK2-Related Parkinson Disease; Parkinson disease 8; Parkinson disease 8, susceptibility to. Identifiers: Orphanet 411602, MedGen C1846862, MONDO:0011764, OMIM 607060.

Allele frequency attached by ClinVar (database versions not stated): TOPMed 0.00001; ExAC 0.00003.
gnomAD v4.1: 24 of 1,612,372 alleles (0.0015%); highest among the groups gnomAD compares: East Asian, 0.011%; no homozygotes.

Submissions (2):

GeneDx
Classification: Uncertain significance. Last evaluated: 2025-08-02. Review status: criteria provided, single submitter. Criteria: GeneDx Variant Classification Process June 2021. Collection method: clinical testing. Allele origin: germline. Affected: yes.
Comment: Previously reported in an individual from a cohort of patients with Parkinson disease; however additional clinical information and segregation data were not reported (PMID: 38901781); In silico analysis supports that this missense variant has a deleterious effect on protein structure/function; This variant is associated with the following publications: (PMID: 38901781)

Labcorp Genetics (formerly Invitae), Labcorp
Classification: Uncertain significance for Autosomal dominant Parkinson disease 8. Last evaluated: 2025-05-05. Review status: criteria provided, single submitter. Criteria: Invitae Variant Classification Sherloc (09022015). Collection method: clinical testing. Allele origin: germline.
Comment: This sequence change replaces arginine, which is basic and polar, with histidine, which is basic and polar, at codon 1538 of the LRRK2 protein (p.Arg1538His). This variant is present in population databases (rs200631999, gnomAD 0.02%). This variant has not been reported in the literature in individuals affected with LRRK2-related conditions. ClinVar contains an entry for this variant (Variation ID: 2831587). Invitae Evidence Modeling of protein sequence and biophysical properties (such as structural, functional, and spatial information, amino acid conservation, physicochemical variation, residue mobility, and thermodynamic stability) has been performed for this missense variant. However, the output from this modeling did not meet the statistical confidence thresholds required to predict the impact of this variant on LRRK2 protein function. In summary, the available evidence is currently insufficient to determine the role of this variant in disease. Therefore, it has been classified as a Variant of Uncertain Significance.

NM_198578.4(LRRK2):c.4613G>A (p.Arg1538His)

Gene: LRRK2 (leucine rich repeat kinase 2; plus strand). Cytogenetic location: 12q12.
Variant type: single nucleotide variant.
Coding change: c.4613G>A on transcript NM_198578.4 (MANE Select); coding-DNA position 4613, G replaced by A.
Protein change: p.Arg1538His; replaces arginine 1538 with histidine.
Molecular consequence: missense variant.
Genome position (GRCh38, 1-based): chr12:40,314,048, G>A. VCF-style: chr12-40314048-G-A. GRCh37 (hg19) VCF-style: chr12-40707850-G-A.
Other names: c.4613G>A (NM_198578.3); short protein forms R1538H.
Identifiers: ClinVar variation 2831587 (VCV002831587.4), dbSNP rs200631999, ClinGen allele CA6514231.
Genomic context (GRCh38, chr12:40,314,048, plus strand): 5'-TTGTTGGACAGCTGATTCCAGACTGCTATGTAGAACTTGAAAAAATCATTTTATCGGAGC[G>A]TAAAAATGTGCCAATTGAATTTCCCGTAATTGACCGGAAACGATTATTACAACTAGTGAG-3'
Protein context (NP_940980.4, residues 1528-1548): VELEKIILSE[Arg1538His]KNVPIEFPVI